The following is an entry in ClinVar:

NM_014425.5(INVS):c.103G>A (p.Val35Ile)

Gene: INVS (inversin; plus strand). Cytogenetic location: 9q31.1.
Variant type: single nucleotide variant.
Coding change: c.103G>A on transcript NM_014425.5 (MANE Select); coding-DNA position 103, G replaced by A.
Protein change: p.Val35Ile; replaces valine 35 with isoleucine.
Molecular consequence: missense variant. On other transcripts: 5 prime UTR variant (2), non-coding transcript variant (1).
Genome position (GRCh38, 1-based): chr9:100,104,624, G>A. VCF-style: chr9-100104624-G-A. GRCh37 (hg19) VCF-style: chr9-102866906-G-A.
Other names: c.103G>A (NM_014425.4, NM_014425.3); c.-274G>A (NM_001318381.2); c.-887G>A (NM_001318382.2); short protein forms V35I.
Identifiers: ClinVar variation 1010223 (VCV001010223.11), dbSNP rs368173855, ClinGen allele CA5158061.

ClinVar aggregate classification (germline): Uncertain significance. Review status: criteria provided, multiple submitters, no conflicts (2 of 4 stars). 4 submissions from 4 submitters: Uncertain significance (4). Last evaluated 2026-04-09.

Conditions:
INVS-related disorder. Also called: INVS-related condition.
Nephronophthisis. Also called: Juvenile Nephronophthisis. Identifiers: Orphanet 655, MedGen C0687120, MONDO:0019005, HP:0000090.
Infantile nephronophthisis (NPHP2). Also called: Nephronophthisis 2; Nephronophthisis 2, infantile. Identifiers: Orphanet 655, Orphanet 93591, MedGen C1865872, MONDO:0011190, OMIM 602088.

Allele frequency attached by ClinVar (database versions not stated): TOPMed 0.00004; gnomAD 0.00005 and 0.00007; gnomAD exomes 0.00005 and 0.00010; ESP Exome Variant Server 0.00008; ExAC 0.00015.
gnomAD v4.1: 77 of 1,607,892 alleles (0.0048%); highest among the groups gnomAD compares: South Asian, 0.059%; 1 homozygote.

Submissions (4):

PreventionGenetics, part of Exact Sciences
Classification: Uncertain significance for INVS-related condition. Last evaluated: 2026-04-09. Review status: criteria provided, single submitter. Criteria: ACMG Guidelines, 2015. Collection method: clinical testing. Allele origin: germline.
Comment: The INVS c.103G>A variant is predicted to result in the amino acid substitution p.Val35Ile. To our knowledge, this variant has not been reported in the literature. This variant is reported in 0.069% of alleles in individuals of South Asian descent in gnomAD. Although we suspect that this variant may be benign, at this time, the clinical significance of this variant is uncertain due to the absence of conclusive functional and genetic evidence.

GeneDx
Classification: Uncertain significance. Last evaluated: 2026-03-12. Review status: criteria provided, single submitter. Criteria: GeneDx Variant Classification Process June 2021. Collection method: clinical testing. Allele origin: germline.
Comment: In silico analysis suggests that this missense variant does not alter protein structure/function; Has not been previously published as pathogenic or benign to our knowledge

Labcorp Genetics (formerly Invitae), Labcorp
Classification: Uncertain significance for Nephronophthisis. Last evaluated: 2024-12-09. Review status: criteria provided, single submitter. Criteria: Invitae Variant Classification Sherloc (09022015). Collection method: clinical testing. Allele origin: germline.
Comment: This sequence change replaces valine, which is neutral and non-polar, with isoleucine, which is neutral and non-polar, at codon 35 of the INVS protein (p.Val35Ile). This variant is present in population databases (rs368173855, gnomAD 0.07%). This variant has not been reported in the literature in individuals affected with INVS-related conditions. ClinVar contains an entry for this variant (Variation ID: 1010223). An algorithm developed to predict the effect of missense changes on protein structure and function outputs the following: PolyPhen-2: "Benign". The isoleucine amino acid residue is found in multiple mammalian species, which suggests that this missense change does not adversely affect protein function. In summary, the available evidence is currently insufficient to determine the role of this variant in disease. Therefore, it has been classified as a Variant of Uncertain Significance.

Fulgent Genetics
Classification: Uncertain significance for Infantile nephronophthisis. Last evaluated: 2022-04-30. Review status: criteria provided, single submitter. Criteria: ACMG Guidelines, 2015. Collection method: clinical testing. Allele origin: unknown.